The following is an entry in ClinVar:

NM_001035.3(RYR2):c.14757-8dup

Gene: RYR2 (ryanodine receptor 2; plus strand). Cytogenetic location: 1q43.
Variant type: Duplication.
Coding change: c.14757-8dup on transcript NM_001035.3 (MANE Select); 8 bases into the intron before coding-DNA position 14757, one base duplicated (A; older notation c.14757-8dupA).
Molecular consequence: intron variant.
Genome position (GRCh38, 1-based): chr1:237,831,506, A duplicated. VCF-style (leftmost placement, unchanged base first): chr1-237831505-T-TA. GRCh37 (hg19) VCF-style: chr1-237994805-T-TA.
Identifiers: ClinVar variation 917820 (VCV000917820.1), dbSNP rs1663790050, ClinGen allele CA1139656716.

ClinVar aggregate classification (germline): Uncertain significance (1 of 4 stars; one submission).

Submission:

Women's Health and Genetics/Laboratory Corporation of America, LabCorp
Classification: Uncertain significance. Last evaluated: 2020-04-20. Review status: criteria provided, single submitter. Criteria: LabCorp Variant Classification Summary - May 2015. Collection method: clinical testing. Allele origin: germline.
Comment: Variant summary: RYR2 c.14757-8dupA alters a non-conserved nucleotide located close to a canonical splice site and therefore could affect mRNA splicing, leading to a significantly altered protein sequence. 4/4 computational tools predict no significant impact on normal splicing. However, these predictions have yet to be confirmed by functional studies. The variant was absent in 244230 control chromosomes. The available data on variant occurrences in the general population are insufficient to allow any conclusion about variant significance. To our knowledge, no occurrence of c.14757-8dupA in individuals affected with Cardiomyopathy and no experimental evidence demonstrating its impact on protein function have been reported. No clinical diagnostic laboratories have submitted clinical-significance assessments for this variant to ClinVar after 2014. Based on the evidence outlined above, the variant was classified as uncertain significance.